The following is an entry in ClinVar:

ClinVar aggregate classification (germline): Uncertain significance (1 of 4 stars; one submission).

Conditions:
Cardiovascular phenotype. Identifiers: MedGen CN230736.

Allele frequency attached by ClinVar (database versions not stated): TOPMed below 0.00001; gnomAD 0.00001; gnomAD exomes 0.00001; ExAC 0.00002.
gnomAD v4.1: 20 of 1,604,954 alleles (0.0012%); highest among the groups gnomAD compares: Non-Finnish European, 0.001%; no homozygotes.

Submission:

Ambry Genetics
Classification: Uncertain significance for Cardiovascular phenotype. Last evaluated: 2022-10-17. Review status: criteria provided, single submitter. Criteria: Ambry Variant Classification Scheme 2023. Collection method: clinical testing. Allele origin: germline.
Comment: The p.T397A variant (also known as c.1189A>G) is located in coding exon 11 of the PRDM5 gene. The threonine at codon 397 is replaced by alanine, an amino acid with similar properties. This change occurs in the first base pair of coding exon 11. This amino acid position is highly conserved in available vertebrate species. In addition, the in silico prediction for this alteration is inconclusive. Since supporting evidence is limited at this time, the clinical significance of this alteration remains unclear.

NM_018699.4(PRDM5):c.1189A>G (p.Thr397Ala)

Gene: PRDM5 (PR/SET domain 5; minus strand). Cytogenetic location: 4q27.
Variant type: single nucleotide variant.
Coding change: c.1189A>G on transcript NM_018699.4 (MANE Select); coding-DNA position 1189, A replaced by G.
Protein change: p.Thr397Ala; replaces threonine 397 with alanine.
Molecular consequence: missense variant.
Genome position (GRCh38, 1-based): chr4:120,785,091, T>C on the plus strand (A>G on the coding strand, the complement: PRDM5 is on the minus strand). VCF-style: chr4-120785091-T-C. GRCh37 (hg19) VCF-style: chr4-121706246-T-C.
Other names: c.1096A>G, p.Thr366Ala (NM_001300823.2, NM_001300824.2, NM_001379106.1); c.1222A>G, p.Thr408Ala (NM_001379104.1); short protein forms T408A, T366A, T397A.
Identifiers: ClinVar variation 1744229 (VCV001744229.2), dbSNP rs766674190, ClinGen allele CA3061117.
Genomic context (GRCh38, chr4:120,785,091, plus strand): 5'-ATGGGGTCCGGAACAAAGCTTTACATTCTTCACATTGGAACGGTCTCTCCTCAGAGTGGG[T>C]CTGCAGAGGAAAAACACTGAGTCAGGAGGATCTAGAATCAACCAGTCATTACAATGAACG-3'
Protein context (NP_061169.2, residues 387-407): HRNVYKNHKK[Thr397Ala]HSEERPFQCE